The following is an entry in ClinVar:

ClinVar aggregate classification (germline): Uncertain significance. Review status: criteria provided, multiple submitters, no conflicts (2 of 4 stars). 2 submissions from 2 submitters: Uncertain significance (2). Last evaluated 2025-09-25.

Conditions:
Hereditary cancer-predisposing syndrome. Also called: Hereditary neoplastic syndrome; Neoplastic Syndromes, Hereditary; Tumor predisposition; Hereditary Cancer Syndrome. Identifiers: Orphanet 140162, MedGen C0027672, MeSH D009386, MONDO:0015356.
DICER1-related tumor predisposition. Also called: DICER1-related pleuropulmonary blastoma cancer predisposition syndrome; DICER1 syndrome. Identifiers: Orphanet 284343, MedGen C3839822, MONDO:0100216.

Submissions (2):

Ambry Genetics
Classification: Uncertain significance for Hereditary cancer-predisposing syndrome. Last evaluated: 2025-09-25. Review status: criteria provided, single submitter. Criteria: Ambry Variant Classification Scheme 2023. Collection method: clinical testing. Allele origin: germline.
Comment: The p.E1764A variant (also known as c.5291A>C), located in coding exon 23 of the DICER1 gene, results from an A to C substitution at nucleotide position 5291. The glutamic acid at codon 1764 is replaced by alanine, an amino acid with dissimilar properties. This amino acid position is conserved. In addition, this alteration is predicted to be deleterious by in silico analysis. Based on the available evidence, the clinical significance of this variant remains unclear.

Labcorp Genetics (formerly Invitae), Labcorp
Classification: Uncertain significance for DICER1-related tumor predisposition. Last evaluated: 2020-11-23. Review status: criteria provided, single submitter. Criteria: Invitae Variant Classification Sherloc (09022015). Collection method: clinical testing. Allele origin: germline.
Comment: In summary, this variant is a novel missense change that is not predicted to affect protein function. There is no indication that it causes disease, but the available evidence is currently insufficient to prove that conclusively. Therefore, it has been classified as a Variant of Uncertain Significance. Algorithms developed to predict the effect of missense changes on protein structure and function (SIFT, PolyPhen-2, Align-GVGD) all suggest that this variant is likely to be tolerated, but these predictions have not been confirmed by published functional studies. This variant is not present in population databases (ExAC no frequency) and has not been reported in the literature in individuals with a DICER1-related disease. This sequence change replaces glutamic acid with alanine at codon 1764 of the DICER1 protein (p.Glu1764Ala). The glutamic acid residue is highly conserved and there is a moderate physicochemical difference between glutamic acid and alanine.

NM_177438.3(DICER1):c.5291A>C (p.Glu1764Ala)

Gene: DICER1 (dicer 1, ribonuclease III; minus strand). Cytogenetic location: 14q32.13.
Variant type: single nucleotide variant.
Coding change: c.5291A>C on transcript NM_177438.3 (MANE Select); coding-DNA position 5291, A replaced by C.
Protein change: p.Glu1764Ala; replaces glutamic acid 1764 with alanine.
Molecular consequence: missense variant.
Genome position (GRCh38, 1-based): chr14:95,093,961, T>G on the plus strand (A>C on the coding strand, the complement: DICER1 is on the minus strand). VCF-style: chr14-95093961-T-G. GRCh37 (hg19) VCF-style: chr14-95560298-T-G.
Other names: c.5291A>C, p.Glu1764Ala (NM_001195573.1, NM_001271282.3, NM_001291628.2 and 1 more transcripts); short protein forms E1764A.
Identifiers: ClinVar variation 412141 (VCV000412141.13), dbSNP rs1060503637, ClinGen allele CA16614477.